The following is an entry in ClinVar:

NM_001386298.1(CIC):c.7343C>T (p.Pro2448Leu)

Gene: CIC (capicua transcriptional repressor; plus strand). Cytogenetic location: 19q13.2.
Variant type: single nucleotide variant.
Coding change: c.7343C>T on transcript NM_001386298.1 (MANE Select); coding-DNA position 7343, C replaced by T.
Protein change: p.Pro2448Leu; replaces proline 2448 with leucine.
Molecular consequence: missense variant.
Genome position (GRCh38, 1-based): chr19:42,294,980, C>T. VCF-style: chr19-42294980-C-T. GRCh37 (hg19) VCF-style: chr19-42799132-C-T.
Other names: c.7343C>T, p.Pro2448Leu (NM_001304815.2); c.7340C>T, p.Pro2447Leu (NM_001379480.1, NM_001379482.1); c.4610C>T, p.Pro1537Leu (NM_001379484.1); c.4607C>T, p.Pro1536Leu (NM_001379485.1); c.4616C>T, p.Pro1539Leu (NM_015125.5); short protein forms P1539L, P2448L, P1536L, P1537L, P2447L.
Identifiers: ClinVar variation 133917 (VCV000133917.1), dbSNP rs587778208, ClinGen allele CA158152.

ClinVar aggregate classification (germline): not provided (0 of 4 stars; one submission).

Allele frequency attached by ClinVar (database versions not stated): gnomAD exomes below 0.00001; gnomAD 0.00001; TOPMed 0.00001.
gnomAD v4.1: 4 of 1,599,320 alleles (0.00025%); highest among the groups gnomAD compares: African/African-American, 0.004%; no homozygotes.

Submission:

ITMI
No classification provided. Condition: AllHighlyPenetrant. Last evaluated: 2013-09-19. Review status: no classification provided. Collection method: reference population. Allele origin: germline.
Comment: Please see associated publication for description of ethnicities

Literature cited by the submitters: PubMed 24728327.